The following is an entry in ClinVar:

ClinVar aggregate classification (germline): Uncertain significance (1 of 4 stars; one submission).

Allele frequency attached by ClinVar (database versions not stated): gnomAD exomes below 0.00001; ExAC 0.00001.
gnomAD v4.1: 2 of 1,613,508 alleles (0.00012%); highest among the groups gnomAD compares: Admixed American, 0.0033%; no homozygotes.

Submission:

Labcorp Genetics (formerly Invitae), Labcorp
Classification: Uncertain significance. Last evaluated: 2023-09-03. Review status: criteria provided, single submitter. Criteria: Invitae Variant Classification Sherloc (09022015). Collection method: clinical testing. Allele origin: germline.
Comment: This sequence change replaces lysine, which is basic and polar, with arginine, which is basic and polar, at codon 282 of the TNNI3K protein (p.Lys282Arg). This variant is present in population databases (rs781642784, gnomAD 0.006%). This variant has not been reported in the literature in individuals affected with TNNI3K-related conditions. Advanced modeling of protein sequence and biophysical properties (such as structural, functional, and spatial information, amino acid conservation, physicochemical variation, residue mobility, and thermodynamic stability) performed at Invitae indicates that this missense variant is not expected to disrupt TNNI3K protein function. In summary, the available evidence is currently insufficient to determine the role of this variant in disease. Therefore, it has been classified as a Variant of Uncertain Significance.

NM_015978.3(TNNI3K):c.845A>G (p.Lys282Arg)

Genes: FPGT-TNNI3K (FPGT-TNNI3K readthrough; plus strand), TNNI3K (TNNI3 interacting kinase; plus strand). Cytogenetic location: 1p31.1.
Variant type: single nucleotide variant.
Coding change: c.845A>G on transcript NM_015978.3 (MANE Select); coding-DNA position 845, A replaced by G.
Protein change: p.Lys282Arg; replaces lysine 282 with arginine.
Molecular consequence: missense variant.
Genome position (GRCh38, 1-based): chr1:74,343,092, A>G. VCF-style: chr1-74343092-A-G. GRCh37 (hg19) VCF-style: chr1-74808776-A-G.
Other names: c.1148A>G, p.Lys383Arg (NM_001112808.3, NM_001199327.2); short protein forms K383R, K282R.
Identifiers: ClinVar variation 2894052 (VCV002894052.3), dbSNP rs781642784, ClinGen allele CA909040.